The following is an entry in ClinVar:

ClinVar aggregate classification (germline): Uncertain significance (1 of 4 stars; one submission).

Conditions:
Arginine:glycine amidinotransferase deficiency (CCDS3). Also called: Creatine deficiency syndrome due to AGAT deficiency; GATM deficiency; Cerebral creatine deficiency syndrome 3; AGAT deficiency; L-Arginine:Glycine Amidinotransferase Deficiency; L-Arginine:Glycine Amidinotransferase (AGAT) Deficiency. Identifiers: Orphanet 35704, MedGen C2675179, MONDO:0012996, OMIM 612718.

Submission:

Labcorp Genetics (formerly Invitae), Labcorp
Classification: Uncertain significance for Arginine:glycine amidinotransferase deficiency. Last evaluated: 2025-08-18. Review status: criteria provided, single submitter. Criteria: Invitae Variant Classification Sherloc (09022015). Collection method: clinical testing. Allele origin: germline.
Comment: This sequence change falls in intron 6 of the GATM gene. It does not directly change the encoded amino acid sequence of the GATM protein. It affects a nucleotide within the consensus splice site. This variant is not present in population databases (gnomAD no frequency). This variant has not been reported in the literature in individuals affected with GATM-related conditions. Variants that disrupt the consensus splice site are a relatively common cause of aberrant splicing (PMID: 17576681, 9536098). Algorithms developed to predict the effect of sequence changes on RNA splicing suggest that this variant is not likely to affect RNA splicing. In summary, the available evidence is currently insufficient to determine the role of this variant in disease. Therefore, it has been classified as a Variant of Uncertain Significance.

Literature cited by the submitters: PubMed 17576681; PubMed 9536098.

NM_001482.3(GATM):c.978+6A>G

Gene: GATM (glycine amidinotransferase; minus strand). Cytogenetic location: 15q21.1.
Variant type: single nucleotide variant.
Coding change: c.978+6A>G on transcript NM_001482.3 (MANE Select); 6 bases into the intron after coding-DNA position 978, A replaced by G.
Molecular consequence: intron variant.
Genome position (GRCh38, 1-based): chr15:45,366,040, T>C on the plus strand (A>G on the coding strand, the complement: GATM is on the minus strand). VCF-style: chr15-45366040-T-C. GRCh37 (hg19) VCF-style: chr15-45658238-T-C.
Other names: c.591+6A>G (NM_001321015.2).
Identifiers: ClinVar variation 4804441 (VCV004804441.1).